The following is an entry in ClinVar:

ClinVar aggregate classification (germline): Uncertain significance (1 of 4 stars; one submission).

Conditions:
Propionic acidemia (PROP). Also called: GLYCINEMIA, KETOTIC; HYPERGLYCINEMIA WITH KETOACIDOSIS AND LEUKOPENIA; KETOTIC HYPERGLYCINEMIA. Identifiers: Orphanet 35, MedGen C0268579, MONDO:0011628, OMIM 606054, HP:0003571.

Allele frequency attached by ClinVar (database versions not stated): TOPMed below 0.00001.

Submission:

Labcorp Genetics (formerly Invitae), Labcorp
Classification: Uncertain significance for Propionic acidemia. Last evaluated: 2021-12-11. Review status: criteria provided, single submitter. Criteria: Invitae Variant Classification Sherloc (09022015). Collection method: clinical testing. Allele origin: germline.
Comment: In summary, the available evidence is currently insufficient to determine the role of this variant in disease. Therefore, it has been classified as a Variant of Uncertain Significance. Variants that disrupt the consensus splice site are a relatively common cause of aberrant splicing (PMID: 17576681, 9536098). Algorithms developed to predict the effect of sequence changes on RNA splicing suggest that this variant is not likely to affect RNA splicing. This variant has not been reported in the literature in individuals affected with PCCB-related conditions. This variant is not present in population databases (gnomAD no frequency). This sequence change falls in intron 10 of the PCCB gene. It does not directly change the encoded amino acid sequence of the PCCB protein. It affects a nucleotide within the consensus splice site.

Literature cited by the submitters: PubMed 17576681; PubMed 9536098.

NM_000532.5(PCCB):c.1090+6A>C

Gene: PCCB (propionyl-CoA carboxylase subunit beta; plus strand). Cytogenetic location: 3q22.3.
Variant type: single nucleotide variant.
Coding change: c.1090+6A>C on transcript NM_000532.5 (MANE Select); 6 bases into the intron after coding-DNA position 1090, A replaced by C.
Molecular consequence: intron variant.
Genome position (GRCh38, 1-based): chr3:136,317,070, A>C. VCF-style: chr3-136317070-A-C. GRCh37 (hg19) VCF-style: chr3-136035912-A-C.
Other names: c.1150+6A>C (NM_001178014.2).
Identifiers: ClinVar variation 1943886 (VCV001943886.5), dbSNP rs1934925500, ClinGen allele CA1404298803.